The following is an entry in ClinVar:

ClinVar aggregate classification (germline): Pathogenic (1 of 4 stars; one submission).

Conditions:
Rhabdoid tumor predisposition syndrome 2 (RTPS2). Identifiers: Orphanet 231108, Orphanet 69077, MedGen C2750074, MONDO:0013224, OMIM 613325.

Submission:

Labcorp Genetics (formerly Invitae), Labcorp
Classification: Pathogenic for Rhabdoid tumor predisposition syndrome 2. Last evaluated: 2023-06-21. Review status: criteria provided, single submitter. Criteria: Invitae Variant Classification Sherloc (09022015). Collection method: clinical testing. Allele origin: germline.
Comment: For these reasons, this variant has been classified as Pathogenic. This variant has not been reported in the literature in individuals affected with SMARCA4-related conditions. This variant is not present in population databases (gnomAD no frequency). This sequence change creates a premature translational stop signal (p.Gln756*) in the SMARCA4 gene. It is expected to result in an absent or disrupted protein product. Loss-of-function variants in SMARCA4 are known to be pathogenic (PMID: 24658001, 24658002).

Literature cited by the submitters: PubMed 24658001; PubMed 24658002.

NM_003072.5(SMARCA4):c.2266C>T (p.Gln756Ter)

Gene: SMARCA4 (SWI/SNF related BAF chromatin remodeling complex subunit ATPase 4; plus strand). Cytogenetic location: 19p13.2.
Variant type: single nucleotide variant.
Coding change: c.2266C>T on transcript NM_003072.5 (MANE Select); coding-DNA position 2266, C replaced by T.
Protein change: p.Gln756Ter; replaces glutamine 756 with a stop codon.
Molecular consequence: nonsense. On other transcripts: non-coding transcript variant (1).
Genome position (GRCh38, 1-based): chr19:11,010,523, C>T. VCF-style: chr19-11010523-C-T. GRCh37 (hg19) VCF-style: chr19-11121199-C-T.
Other names: c.2266C>T, p.Gln756Ter (NM_001128844.3, NM_001128845.2, NM_001128846.2 and 6 more transcripts); short protein forms Q756*.
Identifiers: ClinVar variation 2835134 (VCV002835134.3), dbSNP rs2146239036, ClinGen allele CA404052962.